The following is an entry in ClinVar:

NM_002439.5(MSH3):c.1857del (p.Asp620fs)

Gene: MSH3 (mutS homolog 3; plus strand). Cytogenetic location: 5q14.1.
Variant type: Deletion.
Coding change: c.1857del on transcript NM_002439.5 (MANE Select); coding-DNA position 1857, one base deleted (C; older notation c.1857delC).
Protein change: p.Asp620fs; shifts the reading frame from aspartic acid 620.
Molecular consequence: frameshift variant.
Genome position (GRCh38, 1-based): chr5:80,761,639, C deleted; the last of 3 consecutive C bases (chr5:80,761,637-80,761,639); deleting any one gives the same sequence. VCF-style (leftmost placement, unchanged base first): chr5-80761636-GC-G. GRCh37 (hg19) VCF-style: chr5-80057455-GC-G.
Other names: short protein forms D620fs.
Identifiers: ClinVar variation 3874956 (VCV003874956.1).

ClinVar aggregate classification (germline): Pathogenic (1 of 4 stars; one submission).

Conditions:
Hereditary cancer-predisposing syndrome. Also called: Tumor predisposition; Neoplastic Syndromes, Hereditary; Hereditary Cancer Syndrome; Hereditary neoplastic syndrome. Identifiers: Orphanet 140162, MedGen C0027672, MeSH D009386, MONDO:0015356.

Submission:

Ambry Genetics
Classification: Pathogenic for Hereditary cancer-predisposing syndrome. Last evaluated: 2025-01-14. Review status: criteria provided, single submitter. Criteria: Ambry Variant Classification Scheme 2023. Collection method: clinical testing. Allele origin: germline.
Comment: The c.1857delC pathogenic mutation, located in coding exon 13 of the MSH3 gene, results from a deletion of one nucleotide at nucleotide position 1857, causing a translational frameshift with a predicted alternate stop codon (p.D620Tfs*2). This alteration is expected to result in loss of function by premature protein truncation or nonsense-mediated mRNA decay. As such, this alteration is interpreted as a disease-causing mutation.